The following is an entry in ClinVar:

NM_001083961.2(WDR62):c.1643-10C>T

Gene: WDR62 (WD repeat domain 62; plus strand). Cytogenetic location: 19q13.12.
Variant type: single nucleotide variant.
Coding change: c.1643-10C>T on transcript NM_001083961.2 (MANE Select); 10 bases into the intron before coding-DNA position 1643, C replaced by T.
Molecular consequence: intron variant.
Genome position (GRCh38, 1-based): chr19:36,086,677, C>T. VCF-style: chr19-36086677-C-T. GRCh37 (hg19) VCF-style: chr19-36577579-C-T.
Other names: p.?; c.1643-10C>T (NM_173636.5).
Identifiers: ClinVar variation 160253 (VCV000160253.28), dbSNP rs4806263, ClinGen allele CA173899.
Genomic context (GRCh38, chr19:36,086,677, plus strand): 5'-CACTGCCCTTCTGGGAGGCCAGGGCACCCACGCAGCCTTCAGGAACCAGTCTCATTCTCT[C>T]CTCTCACAGGGCTGACCTTGCTGGCCTCAGCCAGTCGGGACCGGCTGATCCATGTGCTGA-3'

ClinVar aggregate classification (germline): Benign. Review status: criteria provided, multiple submitters, no conflicts (2 of 4 stars). 12 submissions from 12 submitters: Benign (10). 2 of the submissions do not count toward it. Last evaluated 2026-02-02.

Conditions:
Microcephaly 2, primary, autosomal recessive, with or without cortical malformations. Also called: WDR62 Primary Microcephaly; MICROCEPHALY 2, PRIMARY, AUTOSOMAL RECESSIVE, WITH CORTICAL MALFORMATIONS. Identifiers: Orphanet 2512, MedGen C1858535, MONDO:0011435, OMIM 604317.

Allele frequency attached by ClinVar (database versions not stated): gnomAD exomes 0.10045; 1000 Genomes Project 0.12081; 1000 Genomes Project 30x 0.12633; gnomAD 0.13606 and 0.14010; TOPMed 0.14107; ExAC 0.14174; ESP Exome Variant Server 0.14211.
gnomAD v4.1: 170,034 of 1,594,750 alleles (11%); highest among the groups gnomAD compares: African/African-American, 23%; 10,145 homozygotes.

Submissions (12):

Labcorp Genetics (formerly Invitae), Labcorp
Classification: Benign. Last evaluated: 2026-02-02. Review status: criteria provided, single submitter. Criteria: Invitae Variant Classification Sherloc (09022015). Collection method: clinical testing. Allele origin: germline.

Blueprint Genetics
Classification: Benign. Last evaluated: 2024-11-28. Review status: criteria provided, single submitter. Criteria: ACMG Guidelines, 2015. Collection method: clinical testing. Allele origin: germline.

Genome-Nilou Lab
Classification: Benign for Microcephaly 2, primary, autosomal recessive, with or without cortical malformations. Last evaluated: 2021-12-05. Review status: criteria provided, single submitter. Criteria: ACMG Guidelines, 2015. Collection method: clinical testing. Allele origin: germline. Affected: no.

Mayo Clinic Laboratories, Mayo Clinic
Classification: Benign. Last evaluated: 2018-04-10. Review status: criteria provided, single submitter. Criteria: ACMG Guidelines, 2015. Collection method: clinical testing. Allele origin: germline. Observed: 134 variant alleles.

Illumina Laboratory Services, Illumina
Classification: Benign for Microcephaly 2, primary, autosomal recessive, with or without cortical malformations. Last evaluated: 2018-01-12. Review status: criteria provided, single submitter. Criteria: ICSL Variant Classification Criteria 13 December 2019. Collection method: clinical testing. Allele origin: germline.
Comment: This variant was observed in the ICSL laboratory as part of a predisposition screen in an ostensibly healthy population. It had not been previously curated by ICSL or reported in the Human Gene Mutation Database (HGMD: prior to June 1st, 2018), and was therefore a candidate for classification through an automated scoring system. Utilizing variant allele frequency, disease prevalence and penetrance estimates, and inheritance mode, an automated score was calculated to assess if this variant is too frequent to cause the disease. Based on the score and internal cut-off values, a variant classified as benign is not then subjected to further curation. The score for this variant resulted in a classification of benign for this disease.

Athena Diagnostics
Classification: Benign for Microcephaly 2, primary, autosomal recessive, with or without cortical malformations. Last evaluated: 2017-06-09. Review status: criteria provided, single submitter. Criteria: Athena Diagnostics Criteria. Collection method: clinical testing. Allele origin: germline.

GeneDx
Classification: Benign. Last evaluated: 2015-03-03. Review status: criteria provided, single submitter. Criteria: GeneDx Variant Classification Process June 2021. Collection method: clinical testing. Allele origin: germline. Affected: yes.

Genetic Services Laboratory, University of Chicago
Classification: Benign. Last evaluated: 2013-02-08. Review status: criteria provided, single submitter. Criteria: ACMG Guidelines, 2007. Collection method: clinical testing. Allele origin: germline. Inheritance: Autosomal recessive inheritance.

Breakthrough Genomics
Classification: Benign. Review status: criteria provided, single submitter. Criteria: ACMG Guidelines, 2015. Collection method: not provided. Allele origin: germline. Inheritance: Autosomal recessive inheritance. Affected: yes.

PreventionGenetics, part of Exact Sciences
Classification: Benign. Review status: criteria provided, single submitter. Criteria: ACMG Guidelines, 2015. Collection method: clinical testing. Allele origin: germline.

Clinical Genetics DNA and cytogenetics Diagnostics Lab, Erasmus MC, Erasmus Medical Center
Classification: Benign. Review status: no assertion criteria provided. Collection method: clinical testing. Allele origin: germline. Affected: yes. Study: VKGL Data-share Consensus. Not counted in ClinVar's aggregate classification.

Joint Genome Diagnostic Labs from Nijmegen and Maastricht, Radboudumc and MUMC+
Classification: Benign. Review status: no assertion criteria provided. Collection method: clinical testing. Allele origin: germline. Affected: yes. Study: VKGL Data-share Consensus. Not counted in ClinVar's aggregate classification.